The following is an entry in ClinVar:

ClinVar aggregate classification (germline): Uncertain significance (1 of 4 stars; one submission).

Conditions:
Hereditary cancer-predisposing syndrome. Also called: Neoplastic Syndromes, Hereditary; Tumor predisposition; Hereditary Cancer Syndrome; Hereditary neoplastic syndrome. Identifiers: Orphanet 140162, MedGen C0027672, MeSH D009386, MONDO:0015356.

Submission:

Ambry Genetics
Classification: Uncertain significance for Hereditary cancer-predisposing syndrome. Last evaluated: 2022-03-16. Review status: criteria provided, single submitter. Criteria: Ambry Variant Classification Scheme 2023. Collection method: clinical testing. Allele origin: germline.
Comment: The p.P64S variant (also known as c.190C>T), located in coding exon 2 of the RET gene, results from a C to T substitution at nucleotide position 190. The proline at codon 64 is replaced by serine, an amino acid with similar properties. This amino acid position is conserved. In addition, this alteration is predicted to be tolerated by in silico analysis. Since supporting evidence is limited at this time, the clinical significance of this alteration remains unclear.

NM_020975.6(RET):c.190C>T (p.Pro64Ser)

Gene: RET (ret proto-oncogene; plus strand). Cytogenetic location: 10q11.21.
Variant type: single nucleotide variant.
Coding change: c.190C>T on transcript NM_020975.6 (MANE Select); coding-DNA position 190, C replaced by T.
Protein change: p.Pro64Ser; replaces proline 64 with serine.
Molecular consequence: missense variant.
Genome position (GRCh38, 1-based): chr10:43,100,575, C>T. VCF-style: chr10-43100575-C-T. GRCh37 (hg19) VCF-style: chr10-43596023-C-T.
Other names: c.190C>T, p.Pro64Ser (NM_000323.2, NM_001406743.1, NM_001406744.1 and 34 more transcripts); short protein forms P64S.
Identifiers: ClinVar variation 1782480 (VCV001782480.2), dbSNP rs2132660596, ClinGen allele CA376770278.